The following is an entry in ClinVar:

ClinVar aggregate classification (germline): Uncertain significance. Review status: criteria provided, multiple submitters, no conflicts (2 of 4 stars). 2 submissions from 2 submitters: Uncertain significance (2). Last evaluated 2025-12-20.

Conditions:
Inborn genetic diseases. Identifiers: MedGen C0950123, MeSH D030342.

Allele frequency attached by ClinVar (database versions not stated): ExAC 0.00002; gnomAD exomes 0.00002; gnomAD 0.00003 and 0.00004; TOPMed 0.00004.
gnomAD v4.1: 33 of 1,613,294 alleles (0.002%); highest among the groups gnomAD compares: African/African-American, 0.0027%; no homozygotes.

Submissions (3):

Labcorp Genetics (formerly Invitae), Labcorp
Classification: Uncertain significance. Last evaluated: 2025-12-20. Review status: criteria provided, single submitter. Criteria: Invitae Variant Classification Sherloc (09022015). Collection method: clinical testing. Allele origin: germline.
Comment: This sequence change replaces arginine, which is basic and polar, with glutamine, which is neutral and polar, at codon 686 of the GUCY2C protein (p.Arg686Gln). This variant is present in population databases (rs769986387, gnomAD 0.01%). This variant has not been reported in the literature in individuals affected with GUCY2C-related conditions. ClinVar contains an entry for this variant (Variation ID: 1426724). An algorithm developed to predict the effect of missense changes on protein structure and function (PolyPhen-2) suggests that this variant is likely to be tolerated. In summary, the available evidence is currently insufficient to determine the role of this variant in disease. Therefore, it has been classified as a Variant of Uncertain Significance.

Ambry Genetics
Classification: Uncertain significance for Inborn genetic diseases. Last evaluated: 2021-08-13. Review status: criteria provided, single submitter. Criteria: Ambry Variant Classification Scheme 2023. Collection method: clinical testing. Allele origin: germline.

Dr. Peter K. Rogan Lab, Western University
No classification provided (evidence only). Condition: Lung cancer. Review status: no classification provided. Collection method: in vitro. Allele origin: not applicable. Functional consequence: retained intron. Not counted in ClinVar's aggregate classification.

NM_004963.4(GUCY2C):c.2057G>A (p.Arg686Gln)

Gene: GUCY2C (guanylate cyclase 2C; minus strand). Cytogenetic location: 12p12.3.
Variant type: single nucleotide variant.
Coding change: c.2057G>A on transcript NM_004963.4 (MANE Select); coding-DNA position 2057, G replaced by A.
Protein change: p.Arg686Gln; replaces arginine 686 with glutamine.
Molecular consequence: missense variant.
Genome position (GRCh38, 1-based): chr12:14,641,093, C>T on the plus strand (G>A on the coding strand, the complement: GUCY2C is on the minus strand). VCF-style: chr12-14641093-C-T. GRCh37 (hg19) VCF-style: chr12-14794027-C-T.
Other names: c.2057G>A (NM_004963.3); short protein forms R686Q.
Identifiers: ClinVar variation 1426724 (VCV001426724.10), dbSNP rs769986387, ClinGen allele CA6463206.